The following is an entry in ClinVar:

NM_014991.6(WDFY3):c.10375A>G (p.Ser3459Gly)

Gene: WDFY3 (WD repeat and FYVE domain containing 3; minus strand). Cytogenetic location: 4q21.23.
Variant type: single nucleotide variant.
Coding change: c.10375A>G on transcript NM_014991.6 (MANE Select); coding-DNA position 10375, A replaced by G.
Protein change: p.Ser3459Gly; replaces serine 3459 with glycine.
Molecular consequence: missense variant.
Genome position (GRCh38, 1-based): chr4:84,677,281, T>C on the plus strand (A>G on the coding strand, the complement: WDFY3 is on the minus strand). VCF-style: chr4-84677281-T-C. GRCh37 (hg19) VCF-style: chr4-85598434-T-C.
Other names: short protein forms S3459G.
Identifiers: ClinVar variation 3383485 (VCV003383485.1).

ClinVar aggregate classification (germline): Uncertain significance (1 of 4 stars; one submission).

Submission:

GeneDx
Classification: Uncertain significance. Last evaluated: 2024-05-30. Review status: criteria provided, single submitter. Criteria: GeneDx Variant Classification Process June 2021. Collection method: clinical testing. Allele origin: germline. Affected: yes.
Comment: Not observed at significant frequency in large population cohorts (gnomAD); In silico analysis indicates that this missense variant does not alter protein structure/function; Has not been previously published as pathogenic or benign to our knowledge